The following is an entry in ClinVar:

ClinVar aggregate classification (germline): Likely benign (1 of 4 stars; one submission).

Allele frequency attached by ClinVar (database versions not stated): 1000 Genomes Project 30x 0.00297; 1000 Genomes Project 0.00319; ESP Exome Variant Server 0.00546; gnomAD 0.00628; TOPMed 0.00641; ExAC 0.00707; gnomAD exomes 0.00816.
gnomAD v4.1: 12,862 of 1,613,496 alleles (0.8%); highest among the groups gnomAD compares: Middle Eastern, 1.4%; 76 homozygotes.

Submission:

CeGaT Center for Human Genetics Tuebingen
Classification: Likely benign. Last evaluated: 2022-11-01. Review status: criteria provided, single submitter. Criteria: CeGaT Center For Human Genetics Tuebingen Variant Classification Criteria Version 2. Collection method: clinical testing. Allele origin: germline. Affected: yes. Observed: 1 variant allele.
Comment: ROCK1: BP4, BP7, BS2

NM_005406.3(ROCK1):c.807C>T (p.Tyr269=)

Gene: ROCK1 (Rho associated coiled-coil containing protein kinase 1; minus strand). Cytogenetic location: 18q11.1.
Variant type: single nucleotide variant.
Coding change: c.807C>T on transcript NM_005406.3 (MANE Select); coding-DNA position 807, C replaced by T.
Protein change: p.Tyr269=; no amino-acid change (tyrosine 269 retained).
Molecular consequence: synonymous variant.
Genome position (GRCh38, 1-based): chr18:21,042,578, G>A on the plus strand (C>T on the coding strand, the complement: ROCK1 is on the minus strand). VCF-style: chr18-21042578-G-A. GRCh37 (hg19) VCF-style: chr18-18622539-G-A.
Identifiers: ClinVar variation 2648612 (VCV002648612.24), dbSNP rs56085230, ClinGen allele CA8906073.
Genomic context (GRCh38, chr18:21,042,578, plus strand): 5'-TGAGATGAACAACTGTAATAGAGAGACATAAAATCTTCCTTACTCACCTACAAGCATTTC[G>A]TATAAAAATACCCCAACCGACCACCAGTCACATTCTCTTCCATAATAACCATCACCACCT-3'
Protein context (NP_005397.1, residues 259-279): CDWWSVGVFL[Tyr269=]EMLVGDTPFY